The following is an entry in ClinVar:

NM_004836.7(EIF2AK3):c.70G>C (p.Ala24Pro)

Gene: EIF2AK3 (eukaryotic translation initiation factor 2 alpha kinase 3; minus strand). Cytogenetic location: 2p11.2.
Variant type: single nucleotide variant.
Coding change: c.70G>C on transcript NM_004836.7 (MANE Select); coding-DNA position 70, G replaced by C.
Protein change: p.Ala24Pro; replaces alanine 24 with proline.
Molecular consequence: missense variant.
Genome position (GRCh38, 1-based): chr2:88,627,205, C>G on the plus strand (G>C on the coding strand, the complement: EIF2AK3 is on the minus strand). VCF-style: chr2-88627205-C-G. GRCh37 (hg19) VCF-style: chr2-88926723-C-G.
Other names: c.70G>C (NM_004836.5); short protein forms A24P.
Identifiers: ClinVar variation 1427977 (VCV001427977.7), dbSNP rs1220868165, ClinGen allele CA347763537.
Genomic context (GRCh38, chr2:88,627,205, plus strand): 5'-CCGCCTCCGCCGTCGGCGCTGGGAGGCCACGGGCGCGCCCCGCGGCCACCGTCCTTGCCG[C>G]GAGCCCCAGCAGCAGCAGCAGCAGCAGCAGCGCCCGTACCAGCAGCCCCGGGCTGATGGC-3'
Protein context (NP_004827.4, residues 14-34): LLLLLLLLGL[Ala24Pro]ARTVAAGRAR

ClinVar aggregate classification (germline): Uncertain significance. Review status: criteria provided, multiple submitters, no conflicts (2 of 4 stars). 3 submissions from 3 submitters: Uncertain significance (3). Last evaluated 2024-06-15.

Conditions:
Wolcott-Rallison dysplasia. Also called: Wolcott-Rallison syndrome; MED-IDDM SYNDROME. Identifiers: Orphanet 1667, MedGen C0432217, MONDO:0009192, OMIM 226980.
Inborn genetic diseases. Identifiers: MedGen C0950123, MeSH D030342.

Allele frequency attached by ClinVar (database versions not stated): gnomAD 0.00002; TOPMed 0.00005.
gnomAD v4.1: 2 of 1,422,942 alleles (0.00014%); highest among the groups gnomAD compares: African/African-American, 0.004%; no homozygotes.

Submissions (3):

Fulgent Genetics
Classification: Uncertain significance for Wolcott-Rallison dysplasia. Last evaluated: 2024-06-15. Review status: criteria provided, single submitter. Criteria: ACMG Guidelines, 2015. Collection method: clinical testing. Allele origin: germline.

Ambry Genetics
Classification: Uncertain significance for Inborn genetic diseases. Last evaluated: 2024-04-12. Review status: criteria provided, single submitter. Criteria: Ambry Variant Classification Scheme 2023. Collection method: clinical testing. Allele origin: germline.

Labcorp Genetics (formerly Invitae), Labcorp
Classification: Uncertain significance. Last evaluated: 2022-09-27. Review status: criteria provided, single submitter. Criteria: Invitae Variant Classification Sherloc (09022015). Collection method: clinical testing. Allele origin: germline.
Comment: This sequence change replaces alanine, which is neutral and non-polar, with proline, which is neutral and non-polar, at codon 24 of the EIF2AK3 protein (p.Ala24Pro). This variant is not present in population databases (gnomAD no frequency). This variant has not been reported in the literature in individuals affected with EIF2AK3-related conditions. ClinVar contains an entry for this variant (Variation ID: 1427977). Algorithms developed to predict the effect of missense changes on protein structure and function are either unavailable or do not agree on the potential impact of this missense change (SIFT: "Tolerated"; PolyPhen-2: "Not Available"; Align-GVGD: "Class C0"). In summary, the available evidence is currently insufficient to determine the role of this variant in disease. Therefore, it has been classified as a Variant of Uncertain Significance.